The following is an entry in ClinVar:

ClinVar aggregate classification (germline): Uncertain significance (1 of 4 stars; one submission).

Conditions:
Idiopathic Pulmonary Fibrosis. Also called: Idiopathic fibrosing alveolitis, chronic form; idiopathic fibrosing alveolitis. Identifiers: Orphanet 2032, MedGen C1800706, MeSH D054990, MONDO:0800504.
Dyskeratosis congenita, autosomal dominant 2. Identifiers: MedGen C3151443, MONDO:0013521, OMIM 613989.

Submission:

Labcorp Genetics (formerly Invitae), Labcorp
Classification: Uncertain significance for Dyskeratosis congenita, autosomal dominant 2; Idiopathic Pulmonary Fibrosis. Last evaluated: 2021-12-31. Review status: criteria provided, single submitter. Criteria: Invitae Variant Classification Sherloc (09022015). Collection method: clinical testing. Allele origin: germline.
Comment: In summary, the available evidence is currently insufficient to determine the role of this variant in disease. Therefore, it has been classified as a Variant of Uncertain Significance. Advanced modeling of protein sequence and biophysical properties (such as structural, functional, and spatial information, amino acid conservation, physicochemical variation, residue mobility, and thermodynamic stability) performed at Invitae indicates that this missense variant is not expected to disrupt TERT protein function. This variant has not been reported in the literature in individuals affected with TERT-related conditions. This variant is not present in population databases (gnomAD no frequency). This sequence change replaces serine, which is neutral and polar, with proline, which is neutral and non-polar, at codon 284 of the TERT protein (p.Ser284Pro).

NM_198253.3(TERT):c.850T>C (p.Ser284Pro)

Gene: TERT (telomerase reverse transcriptase; minus strand). Cytogenetic location: 5p15.33.
Variant type: single nucleotide variant.
Coding change: c.850T>C on transcript NM_198253.3 (MANE Select); coding-DNA position 850, T replaced by C.
Protein change: p.Ser284Pro; replaces serine 284 with proline.
Molecular consequence: missense variant. On other transcripts: non-coding transcript variant (2).
Genome position (GRCh38, 1-based): chr5:1,294,036, A>G on the plus strand (T>C on the coding strand, the complement: TERT is on the minus strand). VCF-style: chr5-1294036-A-G. GRCh37 (hg19) VCF-style: chr5-1294151-A-G.
Other names: c.850T>C, p.Ser284Pro (NM_001193376.3, NM_003219.1); short protein forms S284P.
Identifiers: ClinVar variation 1912107 (VCV001912107.5), dbSNP rs2478419139, ClinGen allele CA359056488.